The following is an entry in ClinVar:

ClinVar aggregate classification (germline): Uncertain significance. Review status: criteria provided, multiple submitters, no conflicts (2 of 4 stars). 6 submissions from 5 submitters: Uncertain significance (5). 1 of the submissions does not count toward it. Last evaluated 2024-10-25.

Conditions:
TRIM32-related disorder. Also called: TRIM32-related condition.
Inborn genetic diseases. Identifiers: MedGen C0950123, MeSH D030342.
Bardet-Biedl syndrome 11 (BBS11). Identifiers: Orphanet 110, MedGen C1859569, MONDO:0014439, OMIM 615988.
Bardet-Biedl syndrome (BBS). Identifiers: Orphanet 110, MedGen C0752166, MONDO:0015229.
Sarcotubular myopathy (LGMDR8). Also called: Hutterite type of muscular dystrophy; Limb-girdle muscular dystrophy, type 2H; MUSCULAR DYSTROPHY, LIMB-GIRDLE, AUTOSOMAL RECESSIVE 8; Autosomal recessive limb-girdle muscular dystrophy type 2H. Identifiers: Orphanet 1878, MedGen C0270968, MONDO:0009683, OMIM 254110.

Allele frequency attached by ClinVar (database versions not stated): gnomAD 0.00001; gnomAD exomes 0.00002; TOPMed 0.00002; ExAC 0.00003.
gnomAD v4.1: 25 of 1,614,064 alleles (0.0015%); highest among the groups gnomAD compares: Non-Finnish European, 0.0019%; no homozygotes.

Submissions (6):

Ambry Genetics
Classification: Uncertain significance for Inborn genetic diseases. Last evaluated: 2024-10-25. Review status: criteria provided, single submitter. Criteria: Ambry Variant Classification Scheme 2023. Collection method: clinical testing. Allele origin: germline.

Labcorp Genetics (formerly Invitae), Labcorp
Classification: Uncertain significance for Bardet-Biedl syndrome. Last evaluated: 2022-06-27. Review status: criteria provided, single submitter. Criteria: Invitae Variant Classification Sherloc (09022015). Collection method: clinical testing. Allele origin: germline.
Comment: This sequence change replaces methionine, which is neutral and non-polar, with valine, which is neutral and non-polar, at codon 436 of the TRIM32 protein (p.Met436Val). This variant is present in population databases (rs746383181, gnomAD 0.004%). This variant has not been reported in the literature in individuals affected with TRIM32-related conditions. ClinVar contains an entry for this variant (Variation ID: 913169). Algorithms developed to predict the effect of missense changes on protein structure and function (SIFT, PolyPhen-2, Align-GVGD) all suggest that this variant is likely to be tolerated. Algorithms developed to predict the effect of sequence changes on RNA splicing suggest that this variant may create or strengthen a splice site. In summary, the available evidence is currently insufficient to determine the role of this variant in disease. Therefore, it has been classified as a Variant of Uncertain Significance.

Revvity Omics, Revvity
Classification: Uncertain significance. Last evaluated: 2020-03-17. Review status: criteria provided, single submitter. Criteria: ACMG Guidelines, 2015. Collection method: clinical testing. Allele origin: germline.

Illumina Laboratory Services, Illumina
Classification: Uncertain significance for Sarcotubular myopathy. Last evaluated: 2018-01-13. Review status: criteria provided, single submitter. Criteria: ICSL Variant Classification Criteria 13 December 2019. Collection method: clinical testing. Allele origin: germline.

Illumina Laboratory Services, Illumina
Classification: Uncertain significance for Bardet-Biedl syndrome 11. Last evaluated: 2018-01-13. Review status: criteria provided, single submitter. Criteria: ICSL Variant Classification Criteria 13 December 2019. Collection method: clinical testing. Allele origin: germline.

PreventionGenetics, part of Exact Sciences
Classification: Uncertain significance for TRIM32-related condition. Last evaluated: 2024-03-15. Review status: no assertion criteria provided. Collection method: clinical testing. Allele origin: germline. Not counted in ClinVar's aggregate classification.
Comment: The TRIM32 c.1306A>G variant is predicted to result in the amino acid substitution p.Met436Val. To our knowledge, this variant has not been reported in the literature. This variant is reported in 0.0047% of alleles in individuals of European (Non-Finnish) descent in gnomAD. At this time, the clinical significance of this variant is uncertain due to the absence of conclusive functional and genetic evidence.

NM_012210.4(TRIM32):c.1306A>G (p.Met436Val)

Genes: ASTN2 (astrotactin 2; minus strand), TRIM32 (tripartite motif containing 32; plus strand). Cytogenetic location: 9q33.1.
Variant type: single nucleotide variant.
Coding change: c.1306A>G on transcript NM_012210.4 (MANE Select); coding-DNA position 1306, A replaced by G.
Protein change: p.Met436Val; replaces methionine 436 with valine.
Molecular consequence: missense variant. On other transcripts: intron variant (3).
Genome position (GRCh38, 1-based): chr9:116,699,048, A>G. VCF-style: chr9-116699048-A-G. GRCh37 (hg19) VCF-style: chr9-119461327-A-G.
Other names: c.1306A>G, p.Met436Val (NM_001099679.2, NM_001379048.1, NM_001379049.1 and 1 more transcripts); c.2653+26723T>C (NM_014010.5); c.2794+26723T>C (NM_001365069.1); c.2806+26723T>C (NM_001365068.1); short protein forms M436V.
Identifiers: ClinVar variation 913169 (VCV000913169.14), dbSNP rs746383181, ClinGen allele CA5211130.
Genomic context (GRCh38, chr9:116,699,048, plus strand): 5'-AGCTTTGTGCTAAGCTTCCTTGGGGCAGATCTACCCAACCTCACTCCTCTCTCAGTGGCA[A>G]TGAACTGCCAGGGGCTGATTGGTGTGACTGACAGCTATGATAACTCCCTCAAGGTATATA-3'
Protein context (NP_036342.2, residues 426-446): LPNLTPLSVA[Met436Val]NCQGLIGVTD